The following is an entry in ClinVar:

ClinVar aggregate classification (germline): Benign. Review status: criteria provided, multiple submitters, no conflicts (2 of 4 stars). 2 submissions from 2 submitters: Benign (2). Last evaluated 2018-06-14.

Allele frequency attached by ClinVar (database versions not stated): 1000 Genomes Project 30x 0.30512; 1000 Genomes Project 0.30711; TOPMed 0.34259; gnomAD 0.35437 and 0.35640; gnomAD exomes 0.45267.
gnomAD v4.1: 647,343 of 1,464,524 alleles (44%); highest among the groups gnomAD compares: Non-Finnish European, 48%; 149,323 homozygotes.

Submissions (2):

GeneDx
Classification: Benign. Last evaluated: 2018-06-14. Review status: criteria provided, single submitter. Criteria: GeneDx Variant Classification (06012015). Collection method: clinical testing. Allele origin: germline. Affected: yes.
Comment: This variant is considered likely benign or benign based on one or more of the following criteria: it is a conservative change, it occurs at a poorly conserved position in the protein, it is predicted to be benign by multiple in silico algorithms, and/or has population frequency not consistent with disease.

Breakthrough Genomics
Classification: Benign. Review status: criteria provided, single submitter. Criteria: ACMG Guidelines, 2015. Collection method: not provided. Allele origin: germline. Inheritance: Autosomal recessive inheritance. Affected: yes.

NM_000053.4(ATP7B):c.2866-90G>T

Gene: ATP7B (ATPase copper transporting beta; minus strand). Cytogenetic location: 13q14.3.
Variant type: single nucleotide variant.
Coding change: c.2866-90G>T on transcript NM_000053.4 (MANE Select); 90 bases into the intron before coding-DNA position 2866, G replaced by T.
Molecular consequence: intron variant.
Genome position (GRCh38, 1-based): chr13:51,946,568, C>A on the plus strand (G>T on the coding strand, the complement: ATP7B is on the minus strand). VCF-style: chr13-51946568-C-A. GRCh37 (hg19) VCF-style: chr13-52520704-C-A.
Other names: c.2533-90G>T (NM_001243182.2); c.2245-90G>T (NM_001005918.3); c.2614-90G>T (NM_001330579.2); c.2632-90G>T (NM_001330578.2).
Identifiers: ClinVar variation 676104 (VCV000676104.2), dbSNP rs2296246, ClinGen allele CA13789262.